The following is an entry in ClinVar:

NM_024408.4(NOTCH2):c.4253C>T (p.Pro1418Leu)

Gene: NOTCH2 (notch receptor 2; minus strand). Cytogenetic location: 1p12.
Variant type: single nucleotide variant.
Coding change: c.4253C>T on transcript NM_024408.4 (MANE Select); coding-DNA position 4253, C replaced by T.
Protein change: p.Pro1418Leu; replaces proline 1418 with leucine.
Molecular consequence: missense variant.
Genome position (GRCh38, 1-based): chr1:119,925,563, G>A on the plus strand (C>T on the coding strand, the complement: NOTCH2 is on the minus strand). VCF-style: chr1-119925563-G-A. GRCh37 (hg19) VCF-style: chr1-120468186-G-A.
Other names: short protein forms P1418L.
Identifiers: ClinVar variation 1987093 (VCV001987093.4), dbSNP rs749662461, ClinGen allele CA1039884.

ClinVar aggregate classification (germline): Uncertain significance (1 of 4 stars; one submission).

Conditions:
Hajdu-Cheney syndrome (HJCYS). Also called: SERPENTINE FIBULA-POLYCYSTIC KIDNEY SYNDROME; Acroosteolysis dominant type; ACROOSTEOLYSIS WITH OSTEOPOROSIS AND CHANGES IN SKULL AND MANDIBLE. Identifiers: Orphanet 955, MedGen C0917715, MONDO:0007057, OMIM 102500.

Allele frequency attached by ClinVar (database versions not stated): ExAC 0.00001.
gnomAD v4.1: 4 of 1,614,098 alleles (0.00025%); highest among the groups gnomAD compares: Non-Finnish European, 0.00025%; no homozygotes.

Submission:

Labcorp Genetics (formerly Invitae), Labcorp
Classification: Uncertain significance for Hajdu-Cheney syndrome. Last evaluated: 2025-07-13. Review status: criteria provided, single submitter. Criteria: Invitae Variant Classification Sherloc (09022015). Collection method: clinical testing. Allele origin: germline.
Comment: This sequence change replaces proline, which is neutral and non-polar, with leucine, which is neutral and non-polar, at codon 1418 of the NOTCH2 protein (p.Pro1418Leu). This variant is present in population databases (rs749662461, gnomAD 0.002%). This variant has not been reported in the literature in individuals affected with NOTCH2-related conditions. ClinVar contains an entry for this variant (Variation ID: 1987093). Invitae Evidence Modeling of protein sequence and biophysical properties (such as structural, functional, and spatial information, amino acid conservation, physicochemical variation, residue mobility, and thermodynamic stability) indicates that this missense variant is not expected to disrupt NOTCH2 protein function with a negative predictive value of 80%. In summary, the available evidence is currently insufficient to determine the role of this variant in disease. Therefore, it has been classified as a Variant of Uncertain Significance.